The following is an entry in ClinVar:

NM_004369.4(COL6A3):c.1061G>A (p.Ser354Asn)

Gene: COL6A3 (collagen type VI alpha 3 chain; minus strand). Cytogenetic location: 2q37.3.
Variant type: single nucleotide variant.
Coding change: c.1061G>A on transcript NM_004369.4 (MANE Select); coding-DNA position 1061, G replaced by A.
Protein change: p.Ser354Asn; replaces serine 354 with asparagine.
Molecular consequence: missense variant. On other transcripts: intron variant (2).
Genome position (GRCh38, 1-based): chr2:237,387,833, C>T on the plus strand (G>A on the coding strand, the complement: COL6A3 is on the minus strand). VCF-style: chr2-237387833-C-T. GRCh37 (hg19) VCF-style: chr2-238296476-C-T.
Other names: c.443G>A, p.Ser148Asn (NM_057165.5, NM_057167.4); c.92-6334G>A (NM_057166.5, NM_057164.5); short protein forms S354N, S148N.
Identifiers: ClinVar variation 476499 (VCV000476499.13), dbSNP rs1416475329, ClinGen allele CA351222204.

ClinVar aggregate classification (germline): Conflicting classifications of pathogenicity. Review status: criteria provided, conflicting classifications (1 of 4 stars). 3 submissions from 3 submitters: Uncertain significance (2); Likely benign (1). Last evaluated 2025-07-06.

Conditions:
Bethlem myopathy 1A. Also called: Bethlem Muscular Dystrophy; MYOPATHY, BENIGN CONGENITAL, WITH CONTRACTURES; Bethlem myopathy 1. Identifiers: Orphanet 610, MedGen CN029274, MONDO:0024530, OMIM 158810.

Allele frequency attached by ClinVar (database versions not stated): gnomAD 0.00001; gnomAD exomes 0.00001; TOPMed 0.00001.
gnomAD v4.1: 9 of 1,614,086 alleles (0.00056%); highest among the groups gnomAD compares: Admixed American, 0.013%; no homozygotes.

Submissions (3):

Labcorp Genetics (formerly Invitae), Labcorp
Classification: Likely benign for Bethlem myopathy 1A. Last evaluated: 2025-07-06. Review status: criteria provided, single submitter. Criteria: Invitae Variant Classification Sherloc (09022015). Collection method: clinical testing. Allele origin: germline.

Women's Health and Genetics/Laboratory Corporation of America, LabCorp
Classification: Uncertain significance. Last evaluated: 2024-07-23. Review status: criteria provided, single submitter. Criteria: LabCorp Variant Classification Summary - May 2015. Collection method: clinical testing. Allele origin: germline.
Comment: Variant summary: COL6A3 c.1061G>A (p.Ser354Asn) results in a conservative amino acid change located in the von Willebrand factor, type A (IPR002035) of the encoded protein sequence. Four of five in-silico tools predict a damaging effect of the variant on protein function. The variant allele was found at a frequency of 1.2e-05 in 250956 control chromosomes. The available data on variant occurrences in the general population are insufficient to allow any conclusion about variant significance. To our knowledge, no occurrence of c.1061G>A in individuals affected with Ullrich Congenital Muscular Dystrophy 1 and no experimental evidence demonstrating its impact on protein function have been reported. ClinVar contains an entry for this variant (Variation ID: 476499). Based on the evidence outlined above, the variant was classified as uncertain significance.

Revvity Omics, Revvity
Classification: Uncertain significance. Last evaluated: 2020-04-05. Review status: criteria provided, single submitter. Criteria: ACMG Guidelines, 2015. Collection method: clinical testing. Allele origin: germline.